The following is an entry in ClinVar:

ClinVar aggregate classification (germline): Uncertain significance. Review status: criteria provided, multiple submitters, no conflicts (2 of 4 stars). 2 submissions from 2 submitters: Uncertain significance (2). Last evaluated 2024-10-30.

Conditions:
Foveal hypoplasia - optic nerve decussation defect - anterior segment dysgenesis syndrome. Also called: Foveal hypoplasia 2; FOVEAL HYPOPLASIA 2 WITH OR WITHOUT MICROPHTHALMIA OR COLOBOMA; FOVEAL HYPOPLASIA 2 WITH OR WITHOUT OPTIC NERVE MISROUTING AND/OR ANTERIOR SEGMENT DYSGENESIS; FOVEAL HYPOPLASIA 2 WITH OPTIC NERVE DECUSSATION DEFECTS AND ANTERIOR SEGMENT DYSGENESIS WITHOUT ALBINISM. Identifiers: Orphanet 397618, MedGen C3807873, MONDO:0012216, OMIM 609218.

Submissions (2):

Women's Health and Genetics/Laboratory Corporation of America, LabCorp
Classification: Uncertain significance. Last evaluated: 2024-10-30. Review status: criteria provided, single submitter. Criteria: LabCorp Variant Classification Summary - May 2015. Collection method: clinical testing. Allele origin: germline.
Comment: Variant summary: SLC38A8 c.682G>C (p.Gly228Arg) results in a non-conservative amino acid change located in the Amino acid transporter, transmembrane domain (IPR013057) of the encoded protein sequence. Four of five in-silico tools predict a damaging effect of the variant on protein function. The variant allele was found at a frequency of 2e-05 in 251322 control chromosomes. The available data on variant occurrences in the general population are insufficient to allow any conclusion about variant significance. c.682G>C has been reported in the literature in one individual affected with Isolated Foveal Hypoplasia (example, Jiang_2021). These report(s) do not provide unequivocal conclusions about association of the variant with Foveal Hypoplasia, Optic Nerve Decussation Defect, Anterior Segment Dysgenesis Syndrome. To our knowledge, no experimental evidence demonstrating an impact on protein function has been reported. The following publication has been ascertained in the context of this evaluation (PMID: 34415986). ClinVar contains an entry for this variant (Variation ID: 1709230). Based on the evidence outlined above, the variant was classified as uncertain significance.

MGZ Medical Genetics Center
Classification: Uncertain significance for Foveal hypoplasia - optic nerve decussation defect - anterior segment dysgenesis syndrome. Last evaluated: 2022-03-14. Review status: criteria provided, single submitter. Criteria: ACMG Guidelines, 2015. Collection method: clinical testing. Allele origin: germline. Affected: yes. Observed: 1 variant allele.
Comment: ACMG criteria applied: PS4_SUP, PM1_SUP, PM2_SUP, PM3_SUP

Literature cited by the submitters: PubMed 34415986 (cited by Women's Health and Genetics/Laboratory Corporation of America, LabCorp).

NM_001080442.3(SLC38A8):c.682G>C (p.Gly228Arg)

Gene: SLC38A8 (solute carrier family 38 member 8; minus strand). Cytogenetic location: 16q23.3.
Variant type: single nucleotide variant.
Coding change: c.682G>C on transcript NM_001080442.3 (MANE Select); coding-DNA position 682, G replaced by C.
Protein change: p.Gly228Arg; replaces glycine 228 with arginine.
Molecular consequence: missense variant.
Genome position (GRCh38, 1-based): chr16:84,029,502, C>G on the plus strand (G>C on the coding strand, the complement: SLC38A8 is on the minus strand). VCF-style: chr16-84029502-C-G. GRCh37 (hg19) VCF-style: chr16-84063107-C-G.
Other names: short protein forms G228R.
Identifiers: ClinVar variation 1709230 (VCV001709230.3), dbSNP rs372061388, ClinGen allele CA8200090.
Genomic context (GRCh38, chr16:84,029,502, plus strand): 5'-CACCCACAGCCTCTGCAAACGCCACAGGCTGCAACACAGATGCTAAAATTACCTGAAACC[C>G]GAAGCAGATGGTGGGGAAGACACTGAACACAGAGGTCCAGGAGGCAGGGCTGTAAACAGA-3'
Protein context (NP_001073911.1, residues 218-238): VFSVFPTICF[Gly228Arg]FQCHEAAVSI